The following is an entry in ClinVar:

NM_006922.4(SCN3A):c.3061A>C (p.Lys1021Gln)

Gene: SCN3A (sodium voltage-gated channel alpha subunit 3; minus strand). Cytogenetic location: 2q24.3.
Variant type: single nucleotide variant.
Coding change: c.3061A>C on transcript NM_006922.4 (MANE Select); coding-DNA position 3061, A replaced by C.
Protein change: p.Lys1021Gln; replaces lysine 1021 with glutamine.
Molecular consequence: missense variant.
Genome position (GRCh38, 1-based): chr2:165,127,963, T>G on the plus strand (A>C on the coding strand, the complement: SCN3A is on the minus strand). VCF-style: chr2-165127963-T-G. GRCh37 (hg19) VCF-style: chr2-165984473-T-G.
Other names: c.2914A>C, p.Lys972Gln (NM_001081676.2, NM_001081677.2); short protein forms K1021Q, K972Q.
Identifiers: ClinVar variation 5037230 (VCV005037230.1).

ClinVar aggregate classification (germline): Uncertain significance (1 of 4 stars; one submission).

Submission:

GeneDx
Classification: Uncertain significance. Last evaluated: 2026-04-18. Review status: criteria provided, single submitter. Criteria: GeneDx Variant Classification Process June 2021. Collection method: clinical testing. Allele origin: germline.
Comment: Not observed at significant frequency in large population cohorts (gnomAD); In silico analysis suggests that this missense variant does not alter protein structure/function; Has not been previously published as pathogenic or benign to our knowledge